The following is an entry in ClinVar:

ClinVar aggregate classification (germline): Uncertain significance. Review status: criteria provided, multiple submitters, no conflicts (2 of 4 stars). 2 submissions from 2 submitters: Uncertain significance (2). Last evaluated 2018-01-13.

Conditions:
Primary ciliary dyskinesia. Also called: Ciliary dyskinesia. Identifiers: Orphanet 244, MedGen C0008780, MONDO:0016575, HP:0012265.
Primary ciliary dyskinesia 10. Also called: CILIARY DYSKINESIA, PRIMARY, 10, WITH OR WITHOUT SITUS INVERSUS. Identifiers: Orphanet 244, MedGen C2675867, MONDO:0012918, OMIM 612518.

Allele frequency attached by ClinVar (database versions not stated): 1000 Genomes Project 0.00040; TOPMed 0.00002; gnomAD 0.00003 and 0.00006; gnomAD exomes 0.00010 and 0.00013; ExAC 0.00019; 1000 Genomes Project 30x 0.00031.
gnomAD v4.1: 151 of 1,589,790 alleles (0.0095%); highest among the groups gnomAD compares: East Asian, 0.33%; 2 homozygotes.

Submissions (2):

Illumina Laboratory Services, Illumina
Classification: Uncertain significance for Primary ciliary dyskinesia 10. Last evaluated: 2018-01-13. Review status: criteria provided, single submitter. Criteria: ICSL Variant Classification Criteria 13 December 2019. Collection method: clinical testing. Allele origin: germline.

Ambry Genetics
Classification: Uncertain significance for Primary ciliary dyskinesia. Last evaluated: 2017-09-18. Review status: criteria provided, single submitter. Criteria: Ambry Variant Classification Scheme 2023. Collection method: clinical testing. Allele origin: germline.
Comment: The p.S450I variant (also known as c.1349G>T), located in coding exon 1 of the DNAAF2 gene, results from a G to T substitution at nucleotide position 1349. The serine at codon 450 is replaced by isoleucine, an amino acid with dissimilar properties. This amino acid position is poorly conserved in available vertebrate species. In addition, this alteration is predicted to be tolerated by in silico analysis. Since supporting evidence is limited at this time, the clinical significance of this alteration remains unclear.

NM_018139.3(DNAAF2):c.1349G>T (p.Ser450Ile)

Gene: DNAAF2 (dynein axonemal assembly factor 2; minus strand). Cytogenetic location: 14q21.3.
Variant type: single nucleotide variant.
Coding change: c.1349G>T on transcript NM_018139.3 (MANE Select); coding-DNA position 1349, G replaced by T.
Protein change: p.Ser450Ile; replaces serine 450 with isoleucine.
Molecular consequence: missense variant. On other transcripts: 5 prime UTR variant (1).
Genome position (GRCh38, 1-based): chr14:49,633,801, C>A on the plus strand (G>T on the coding strand, the complement: DNAAF2 is on the minus strand). VCF-style: chr14-49633801-C-A. GRCh37 (hg19) VCF-style: chr14-50100519-C-A.
Other names: c.1349G>T, p.Ser450Ile (NM_001083908.2); c.-523G>T (NM_001378453.1); short protein forms S450I.
Identifiers: ClinVar variation 884211 (VCV000884211.6), dbSNP rs185938951, ClinGen allele CA7172933.